The following is an entry in ClinVar:

NM_001370298.3(FGD4):c.1370T>C (p.Ile457Thr)

Gene: FGD4 (FYVE, RhoGEF and PH domain containing 4; plus strand). Cytogenetic location: 12p11.21.
Variant type: single nucleotide variant.
Coding change: c.1370T>C on transcript NM_001370298.3 (MANE Select); coding-DNA position 1370, T replaced by C.
Protein change: p.Ile457Thr; replaces isoleucine 457 with threonine.
Molecular consequence: missense variant. On other transcripts: 5 prime UTR variant (1).
Genome position (GRCh38, 1-based): chr12:32,602,283, T>C. VCF-style: chr12-32602283-T-C. GRCh37 (hg19) VCF-style: chr12-32755217-T-C.
Other names: c.1214T>C, p.Ile405Thr (NM_001304481.2); c.215T>C, p.Ile72Thr (NM_001304483.2); c.-93T>C (NM_001304484.2); c.680T>C, p.Ile227Thr (NM_001330373.2, NM_001330374.2, NM_001384130.1); c.407T>C, p.Ile136Thr (NM_001370297.1); c.1370T>C, p.Ile457Thr (NM_001384126.1); c.959T>C, p.Ile320Thr (NM_001384127.1, NM_001384128.1, NM_001385118.1 and 1 more transcripts); short protein forms I136T, I227T, I320T, I405T, I457T, I72T.
Identifiers: ClinVar variation 2415787 (VCV002415787.6), dbSNP rs2540659709, ClinGen allele CA384358898.

ClinVar aggregate classification (germline): Uncertain significance (1 of 4 stars; one submission).

Conditions:
Charcot-Marie-Tooth disease type 4. Also called: Charcot-Marie-Tooth, Type 4; Charcot-Marie-Tooth disease, type IV. Identifiers: Orphanet 64749, MedGen C4082197, MONDO:0018995.

gnomAD v4.1: 1 of 1,614,150 alleles (0.000062%); no homozygotes.

Submission:

Labcorp Genetics (formerly Invitae), Labcorp
Classification: Uncertain significance for Charcot-Marie-Tooth disease type 4. Last evaluated: 2022-08-18. Review status: criteria provided, single submitter. Criteria: Invitae Variant Classification Sherloc (09022015). Collection method: clinical testing. Allele origin: germline.
Comment: In summary, the available evidence is currently insufficient to determine the role of this variant in disease. Therefore, it has been classified as a Variant of Uncertain Significance. Algorithms developed to predict the effect of missense changes on protein structure and function output the following: SIFT: "Tolerated"; PolyPhen-2: "Benign"; Align-GVGD: "Class C0". The threonine amino acid residue is found in multiple mammalian species, which suggests that this missense change does not adversely affect protein function. This variant has not been reported in the literature in individuals affected with FGD4-related conditions. This variant is not present in population databases (gnomAD no frequency). This sequence change replaces isoleucine, which is neutral and non-polar, with threonine, which is neutral and polar, at codon 320 of the FGD4 protein (p.Ile320Thr).